The following is an entry in ClinVar:

ClinVar aggregate classification (germline): Conflicting classifications of pathogenicity. Review status: criteria provided, conflicting classifications (1 of 4 stars). 2 submissions from 2 submitters: Likely pathogenic (1); Uncertain significance (1). Last evaluated 2019-09-19.

Conditions:
Congenital muscular hypertrophy-cerebral syndrome (CDLS2). Also called: SMC1A-Related Cornelia de Lange Syndrome; Cornelia de Lange syndrome 2. Identifiers: Orphanet 199, MedGen C1802395, MONDO:0010370, OMIM 300590.

Submissions (2):

Labcorp Genetics (formerly Invitae), Labcorp
Classification: Uncertain significance for Congenital muscular hypertrophy-cerebral syndrome. Last evaluated: 2019-09-19. Review status: criteria provided, single submitter. Criteria: Invitae Variant Classification Sherloc (09022015). Collection method: clinical testing. Allele origin: germline.
Comment: This variant has not been reported in the literature in individuals with SMC1A-related conditions. ClinVar contains an entry for this variant (Variation ID: 437413). In summary, the available evidence is currently insufficient to determine the role of this variant in disease. Therefore, it has been classified as a Variant of Uncertain Significance. Algorithms developed to predict the effect of missense changes on protein structure and function are either unavailable or do not agree on the potential impact of this missense change (SIFT: "Deleterious"; PolyPhen-2: "Possibly Damaging"; Align-GVGD: "Class C0"). This variant is not present in population databases (ExAC no frequency). This sequence change replaces methionine with valine at codon 42 of the SMC1A protein (p.Met42Val). The methionine residue is highly conserved and there is a small physicochemical difference between methionine and valine.

Center of Genomic medicine, Geneva, University Hospital of Geneva
Classification: Likely pathogenic for Congenital muscular hypertrophy-cerebral syndrome. Last evaluated: 2017-05-09. Review status: criteria provided, single submitter. Criteria: ACMG Guidelines, 2015. Collection method: clinical testing. Allele origin: de novo. Affected: yes.

NM_006306.4(SMC1A):c.124A>G (p.Met42Val)

Gene: SMC1A (structural maintenance of chromosomes 1A; minus strand). Cytogenetic location: Xp11.22.
Variant type: single nucleotide variant.
Coding change: c.124A>G on transcript NM_006306.4 (MANE Select); coding-DNA position 124, A replaced by G.
Protein change: p.Met42Val; replaces methionine 42 with valine.
Molecular consequence: missense variant.
Genome position (GRCh38, 1-based): chrX:53,415,155, T>C on the plus strand (A>G on the coding strand, the complement: SMC1A is on the minus strand). VCF-style: chrX-53415155-T-C. GRCh37 (hg19) VCF-style: chrX-53442104-T-C.
Other names: c.58A>G, p.Met20Val (NM_001281463.1); short protein forms M20V, M42V.
Identifiers: ClinVar variation 437413 (VCV000437413.13), dbSNP rs1556891104, ClinGen allele CA413133133.
Genomic context (GRCh38, chrX:53,415,155, plus strand): 5'-GCAGGGTCTTTACCCGCAGGTTGCTGGTTTTTTCACCTAGCACAAAGCTGATGGCATCCA[T>C]GAGATTTGACTTACCTAAGGGAAGAGGGACGAGGCAGTAGAGGGAAAGTCAGGATGAAGA-3'
Protein context (NP_006297.2, residues 32-52): GPNGSGKSNL[Met42Val]DAISFVLGEK